The following is an entry in ClinVar:

ClinVar aggregate classification (germline): Likely pathogenic. Review status: criteria provided, single submitter (1 of 4 stars). 2 submissions from 2 submitters: Likely pathogenic (1). 1 of the submissions does not count toward it. Last evaluated 2025-10-07.

Conditions:
Congenital disorder of glycosylation (CDG). Also called: Congenital disorders of glycosylation; Carbohydrate-deficient glycoprotein syndrome. Identifiers: Orphanet 137, MedGen C0282577, MONDO:0015286.
ALG1-congenital disorder of glycosylation. Also called: CONGENITAL DISORDER OF GLYCOSYLATION, TYPE Ik; CDG Ik; ALG1-CDG. Identifiers: Orphanet 79327, MedGen C2931005, MONDO:0012052, OMIM 608540.

Allele frequency attached by ClinVar (database versions not stated): TOPMed below 0.00001; ExAC 0.00002; ESP Exome Variant Server 0.00008.
gnomAD v4.1: 34 of 1,611,726 alleles (0.0021%); highest among the groups gnomAD compares: Non-Finnish European, 0.0029%; no homozygotes.

Submissions (2):

Labcorp Genetics (formerly Invitae), Labcorp
Classification: Likely pathogenic for ALG1-congenital disorder of glycosylation. Last evaluated: 2025-10-07. Review status: criteria provided, single submitter. Criteria: Invitae Variant Classification Sherloc (09022015). Collection method: clinical testing. Allele origin: germline.
Comment: This sequence change affects a donor splice site in intron 9 of the ALG1 gene. It is expected to disrupt RNA splicing. Variants that disrupt the donor or acceptor splice site typically lead to a loss of protein function (PMID: 16199547), and loss-of-function variants in ALG1 are known to be pathogenic (PMID: 20679665, 23806237). This variant is present in population databases (rs373355236, gnomAD 0.0009%). Disruption of this splice site has been observed in individual(s) with a congenital disorder of glycosylation (PMID: 26931382). ClinVar contains an entry for this variant (Variation ID: 690329). Algorithms developed to predict the effect of sequence changes on RNA splicing suggest that this variant may disrupt the consensus splice site. In summary, the currently available evidence indicates that the variant is pathogenic, but additional data are needed to prove that conclusively. Therefore, this variant has been classified as Likely Pathogenic.

University of Washington Center for Mendelian Genomics, University of Washington
Classification: Likely pathogenic for Congenital disorder of glycosylation. Last evaluated: 2017-05-25. Review status: no assertion criteria provided. Collection method: research. Allele origin: unknown. Affected: yes. Not counted in ClinVar's aggregate classification.

Literature cited by the submitters: PubMed 16199547 (cited by Labcorp Genetics (formerly Invitae), Labcorp); PubMed 20679665 (cited by Labcorp Genetics (formerly Invitae), Labcorp); PubMed 23806237 (cited by Labcorp Genetics (formerly Invitae), Labcorp); PubMed 26931382 (cited by Labcorp Genetics (formerly Invitae), Labcorp and University of Washington Center for Mendelian Genomics, University of Washington).

NM_019109.5(ALG1):c.961+1G>C

Gene: ALG1 (ALG1 chitobiosyldiphosphodolichol beta-mannosyltransferase; plus strand). Cytogenetic location: 16p13.3.
Variant type: single nucleotide variant.
Coding change: c.961+1G>C on transcript NM_019109.5 (MANE Select); the canonical splice donor site of the intron after coding-DNA position 961, G replaced by C.
Molecular consequence: splice donor variant.
Genome position (GRCh38, 1-based): chr16:5,079,808, G>C. VCF-style: chr16-5079808-G-C. GRCh37 (hg19) VCF-style: chr16-5129809-G-C.
Other names: c.628+1G>C (NM_001330504.2).
Identifiers: ClinVar variation 690329 (VCV000690329.10), dbSNP rs373355236, ClinGen allele CA7890123.
Genomic context (GRCh38, chr16:5,079,808, plus strand): 5'-AGTTTGAACAACTGACTCTTGATGGACACAACCTTCCTTCTCTCGTCTGTGTGATAACAG[G>C]TACTGCCTGGGACCCTGGGTGTCTGTTTGGTTGGGGGATGGCGGAGGGGGAGGGGCACGC-3'